The following is an entry in ClinVar:

ClinVar aggregate classification (germline): Likely benign (1 of 4 stars; one submission).

Conditions:
Pheochromocytoma/paraganglioma syndrome 1. Also called: PARAGANGLIOMAS, FAMILIAL NONCHROMAFFIN, 1; PGL 1; Paragangliomas familial 1; PARAGANGLIOMATA; Paragangliomas 1; Glomus tumors familial 1. Identifiers: Orphanet 29072, MedGen C3494181, MONDO:0008192, OMIM 168000.

Submission:

Myriad Genetics, Inc.
Classification: Likely benign for Pheochromocytoma/paraganglioma syndrome 1. Last evaluated: 2025-03-17. Review status: criteria provided, single submitter. Criteria: Myriad Autosomal Dominant, Autosomal Recessive and X-Linked Classification Criteria (2023). Collection method: clinical testing. Allele origin: unknown.
Comment: This variant is considered likely benign. This variant is intronic and is not expected to impact mRNA splicing.

NM_003002.4(SDHD):c.53-9T>C

Gene: SDHD (succinate dehydrogenase complex subunit D; plus strand). Cytogenetic location: 11q23.1.
Variant type: single nucleotide variant.
Coding change: c.53-9T>C on transcript NM_003002.4 (MANE Select); 9 bases into the intron before coding-DNA position 53, T replaced by C.
Molecular consequence: intron variant.
Genome position (GRCh38, 1-based): chr11:112,087,848, T>C. VCF-style: chr11-112087848-T-C. GRCh37 (hg19) VCF-style: chr11-111958572-T-C.
Other names: c.53-9T>C (NM_001276506.2, NM_001276503.2); c.52+889T>C (NM_001276504.2).
Identifiers: ClinVar variation 3904643 (VCV003904643.1).